The following is an entry in ClinVar:

NM_198576.4(AGRN):c.2155G>A (p.Gly719Ser)

Gene: AGRN (agrin; plus strand). Cytogenetic location: 1p36.33.
Variant type: single nucleotide variant.
Coding change: c.2155G>A on transcript NM_198576.4 (MANE Select); coding-DNA position 2155, G replaced by A.
Protein change: p.Gly719Ser; replaces glycine 719 with serine.
Molecular consequence: missense variant.
Genome position (GRCh38, 1-based): chr1:1,044,340, G>A. VCF-style: chr1-1044340-G-A. GRCh37 (hg19) VCF-style: chr1-979720-G-A.
Other names: p.Gly719Ser; c.2155G>A, p.Gly719Ser (NM_001305275.2); c.1840G>A, p.Gly614Ser (NM_001364727.2); short protein forms G614S, G719S.
Identifiers: ClinVar variation 703506 (VCV000703506.14), dbSNP rs149594498, ClinGen allele CA508504.
Genomic context (GRCh38, chr1:1,044,340, plus strand): 5'-TCGGCGGGCGGCGGGGACGGGGCTGCGGCCGCTCACACTGACACCACCCTCCAGGTGTGC[G>A]GCTCAGATGGGGTCACCTACAGCACCGAGTGTGAGCTGAAGAAGGCCAGGTGTGAGTCAC-3'
Protein context (NP_940978.2, residues 709-729): CQSVPGSPVC[Gly719Ser]SDGVTYSTEC

ClinVar aggregate classification (germline): Conflicting classifications of pathogenicity. Review status: criteria provided, conflicting classifications (1 of 4 stars). 3 submissions from 3 submitters: Uncertain significance (1); Likely benign (1). 1 of the submissions does not count toward it. Last evaluated 2026-01-26.

Conditions:
AGRN-related disorder. Also called: AGRN-related condition.
Congenital myasthenic syndrome 8. Also called: MYASTHENIC SYNDROME, CONGENITAL, DUE TO AGRIN DEFICIENCY; Myasthenic syndrome, congenital, 8, with pre- and postsynaptic defects. Identifiers: Orphanet 590, MedGen C3808739, MONDO:0014052, OMIM 615120.

Allele frequency attached by ClinVar (database versions not stated): gnomAD exomes 0.00014 and 0.00041; ExAC 0.00048; ESP Exome Variant Server 0.00138; gnomAD 0.00151 and 0.00158; 1000 Genomes Project 30x 0.00156; 1000 Genomes Project 0.00160; TOPMed 0.00163.
gnomAD v4.1: 468 of 1,612,770 alleles (0.029%); highest among the groups gnomAD compares: African/African-American, 0.51%; 1 homozygote.

Submissions (3):

Labcorp Genetics (formerly Invitae), Labcorp
Classification: Likely benign for Congenital myasthenic syndrome 8. Last evaluated: 2026-01-26. Review status: criteria provided, single submitter. Criteria: Invitae Variant Classification Sherloc (09022015). Collection method: clinical testing. Allele origin: germline.

Mayo Clinic Laboratories, Mayo Clinic
Classification: Uncertain significance. Last evaluated: 2025-06-26. Review status: criteria provided, single submitter. Criteria: ACMG Guidelines, 2015. Collection method: clinical testing. Allele origin: germline. Observed: 1 variant allele.
Comment: BS1

PreventionGenetics, part of Exact Sciences
Classification: Likely benign for AGRN-related condition. Last evaluated: 2021-02-01. Review status: no assertion criteria provided. Collection method: clinical testing. Allele origin: germline. Not counted in ClinVar's aggregate classification.
Comment: This variant is classified as likely benign based on ACMG/AMP sequence variant interpretation guidelines (Richards et al. 2015 PMID: 25741868, with internal and published modifications).